The following is an entry in ClinVar:

ClinVar aggregate classification (germline): Conflicting classifications of pathogenicity. Review status: criteria provided, conflicting classifications (1 of 4 stars). 2 submissions from 2 submitters: Uncertain significance (1); Likely benign (1). Last evaluated 2024-09-20.

Conditions:
CHARGE syndrome (CHARGE). Also called: Hittner Hirsch Kreh syndrome; Coloboma, heart anomaly, choanal atresia, retardation, genital and ear anomalies; CHARGE association; Hall-Hittner syndrome; CHARGE ASSOCIATION--COLOBOMA, HEART ANOMALY, CHOANAL ATRESIA, RETARDATION, GENITAL AND EAR ANOMALIES. Identifiers: Orphanet 138, MedGen C0265354, MONDO:0008965.
Hypogonadotropic hypogonadism 5 with or without anosmia (KAL5). Also called: HYPOGONADOTROPIC HYPOGONADISM 5 WITH ANOSMIA; HYPOGONADOTROPHIC HYPOGONADISM 5 WITHOUT ANOSMIA; CHD7-Related GnRH Deficiency (Kallmann Syndrome 5). Identifiers: Orphanet 478, MedGen C3552553, MONDO:0012880, OMIM 612370. Disease mechanism: loss of function.

Submissions (2):

3billion
Classification: Likely benign for CHD7-related CHARGE syndrome; Hypogonadotropic hypogonadism 5 with or without anosmia. Last evaluated: 2024-09-20. Review status: criteria provided, single submitter. Criteria: ACMG Guidelines, 2015. Collection method: clinical testing. Allele origin: germline. Affected: no.
Comment: The variant was identified in at least one patient who was diagnosed with a different variant in another gene and showed no symptoms related to the gene containing the variant in question.

Labcorp Genetics (formerly Invitae), Labcorp
Classification: Uncertain significance for CHARGE syndrome. Last evaluated: 2024-07-21. Review status: criteria provided, single submitter. Criteria: Invitae Variant Classification Sherloc (09022015). Collection method: clinical testing. Allele origin: germline.
Comment: This sequence change replaces proline, which is neutral and non-polar, with leucine, which is neutral and non-polar, at codon 2154 of the CHD7 protein (p.Pro2154Leu). This variant is not present in population databases (gnomAD no frequency). This variant has not been reported in the literature in individuals affected with CHD7-related conditions. ClinVar contains an entry for this variant (Variation ID: 1006759). Advanced modeling of protein sequence and biophysical properties (such as structural, functional, and spatial information, amino acid conservation, physicochemical variation, residue mobility, and thermodynamic stability) performed at Invitae indicates that this missense variant is not expected to disrupt CHD7 protein function with a negative predictive value of 95%. In summary, the available evidence is currently insufficient to determine the role of this variant in disease. Therefore, it has been classified as a Variant of Uncertain Significance.

NM_017780.4(CHD7):c.6461C>T (p.Pro2154Leu)

Gene: CHD7 (chromodomain helicase DNA binding protein 7; plus strand). Cytogenetic location: 8q12.2.
Variant type: single nucleotide variant.
Coding change: c.6461C>T on transcript NM_017780.4 (MANE Select); coding-DNA position 6461, C replaced by T.
Protein change: p.Pro2154Leu; replaces proline 2154 with leucine.
Molecular consequence: missense variant. On other transcripts: intron variant (1).
Genome position (GRCh38, 1-based): chr8:60,853,186, C>T. VCF-style: chr8-60853186-C-T. GRCh37 (hg19) VCF-style: chr8-61765745-C-T.
Other names: c.1717-9043C>T (NM_001316690.1); short protein forms P2154L.
Identifiers: ClinVar variation 1006759 (VCV001006759.9), dbSNP rs1805544418, ClinGen allele CA371325314.